The following is an entry in ClinVar:

ClinVar aggregate classification (germline): Pathogenic (1 of 4 stars; one submission).

Submission:

Labcorp Genetics (formerly Invitae), Labcorp
Classification: Pathogenic. Last evaluated: 2023-11-07. Review status: criteria provided, single submitter. Criteria: Invitae Variant Classification Sherloc (09022015). Collection method: clinical testing. Allele origin: germline.
Comment: This sequence change creates a premature translational stop signal (p.Gly964Glufs*32) in the COL4A5 gene. It is expected to result in an absent or disrupted protein product. Loss-of-function variants in COL4A5 are known to be pathogenic (PMID: 9195222, 10752524, 14514738, 24854265, 26809805). This variant is not present in population databases (gnomAD no frequency). This variant has not been reported in the literature in individuals affected with COL4A5-related conditions. For these reasons, this variant has been classified as Pathogenic.

Literature cited by the submitters: PubMed 9195222; PubMed 10752524; PubMed 14514738; PubMed 24854265; PubMed 26809805.

NM_033380.3(COL4A5):c.2889del (p.Gly964fs)

Gene: COL4A5 (collagen type IV alpha 5 chain; plus strand). Cytogenetic location: Xq22.3.
Variant type: Deletion.
Coding change: c.2889del on transcript NM_033380.3 (MANE Select); coding-DNA position 2889, one base deleted (A; older notation c.2889delA).
Protein change: p.Gly964fs; shifts the reading frame from glycine 964.
Molecular consequence: frameshift variant.
Genome position (GRCh38, 1-based): chrX:108,622,797, A deleted; the last of 4 consecutive A bases (chrX:108,622,794-108,622,797); deleting any one gives the same sequence. VCF-style (leftmost placement, unchanged base first): chrX-108622793-CA-C. GRCh37 (hg19) VCF-style: chrX-107866023-CA-C.
Other names: c.2889del, p.Gly964fs (NM_000495.5); short protein forms G964fs.
Identifiers: ClinVar variation 2694103 (VCV002694103.3), dbSNP rs2524408358, ClinGen allele CA2540697012.